The following is an entry in ClinVar:

ClinVar aggregate classification (germline): Uncertain significance. Review status: criteria provided, multiple submitters, no conflicts (2 of 4 stars). 3 submissions from 3 submitters: Uncertain significance (3). Last evaluated 2025-05-21.

Conditions:
Becker muscular dystrophy (BMD). Also called: MUSCULAR DYSTROPHY, PSEUDOHYPERTROPHIC PROGRESSIVE, BECKER TYPE; Becker Muscular Dystrophy (BMD). Identifiers: Orphanet 98895, MedGen C0917713, MONDO:0010311, OMIM 300376.
Duchenne muscular dystrophy (DMD). Also called: Duchenne Muscular Dystrophy (DMD); MUSCULAR DYSTROPHY, PSEUDOHYPERTROPHIC PROGRESSIVE, DUCHENNE TYPE. Identifiers: Orphanet 98896, MedGen C0013264, MONDO:0010679, OMIM 310200.
Dilated cardiomyopathy 3B (CMD3B). Also called: CMD3B: DMD-Related Dilated Cardiomyopathy; CARDIOMYOPATHY, DILATED, X-LINKED; DMD-Associated Dilated Cardiomyopathy. Identifiers: Orphanet 154, MedGen C3668940, MONDO:0010542, OMIM 302045.

Submissions (3):

Mendelics
Classification: Uncertain significance for Duchenne muscular dystrophy. Last evaluated: 2025-05-21. Review status: criteria provided, single submitter. Criteria: ACMG Guidelines, 2015. Collection method: clinical testing. Allele origin: unknown.
Comment: Variant genotyped in Mendelian tests. No frequency in GnomAD V4.1.0. Low frequency in internal databases and found in other tests related to movement genetic disorders. Predictors (SpliceAI) indicate splicing site gain/loss.

Labcorp Genetics (formerly Invitae), Labcorp
Classification: Uncertain significance for Duchenne muscular dystrophy. Last evaluated: 2021-12-11. Review status: criteria provided, single submitter. Criteria: Invitae Variant Classification Sherloc (09022015). Collection method: clinical testing. Allele origin: germline.
Comment: In summary, the available evidence is currently insufficient to determine the role of this variant in disease. Therefore, it has been classified as a Variant of Uncertain Significance. Algorithms developed to predict the effect of sequence changes on RNA splicing suggest that this variant may create or strengthen a splice site. This variant has not been reported in the literature in individuals affected with DMD-related conditions. This variant is not present in population databases (gnomAD no frequency). This sequence change falls in intron 40 of the DMD gene. It does not directly change the encoded amino acid sequence of the DMD protein.

Juno Genomics, Hangzhou Juno Genomics, Inc
Classification: Uncertain significance for Becker muscular dystrophy; Dilated cardiomyopathy 3B; Duchenne muscular dystrophy. Review status: criteria provided, single submitter. Criteria: ACMG Guidelines, 2015. Collection method: clinical testing. Allele origin: germline.
Comment: Absent from controls (or at extremely low frequency if recessive) in Genome Aggregation Database.;Multiple lines of computational evidence support a deleterious effect on the gene or gene product.;The prevalence of the variant in affected individuals is significantly increased compared to the prevalence in controls.

NM_004006.3(DMD):c.5740-16T>A

Gene: DMD (dystrophin; minus strand). Cytogenetic location: Xp21.1.
Variant type: single nucleotide variant.
Coding change: c.5740-16T>A on transcript NM_004006.3 (MANE Select); 16 bases into the intron before coding-DNA position 5740, T replaced by A.
Molecular consequence: intron variant.
Genome position (GRCh38, 1-based): chrX:32,342,298, A>T on the plus strand (T>A on the coding strand, the complement: DMD is on the minus strand). VCF-style: chrX-32342298-A-T. GRCh37 (hg19) VCF-style: chrX-32360415-A-T.
Other names: c.5716-16T>A (NM_000109.4); c.1717-16T>A (NM_004011.4); c.1708-16T>A (NM_004012.4); c.5728-16T>A (NM_004009.3); c.5371-16T>A (NM_004010.3).
Identifiers: ClinVar variation 2077287 (VCV002077287.7), dbSNP rs2521816063, ClinGen allele CA2580100645.